The following is an entry in ClinVar:

NM_001429.4(EP300):c.2867CTA[1] (p.Thr957del)

Genes: EP300 (EP300 lysine acetyltransferase; plus strand), LOC126863158 (BRD4-independent group 4 enhancer GRCh37_chr22:41547383-41548582; plus strand). Cytogenetic location: 22q13.2.
Variant type: Microsatellite.
Coding change: c.2867CTA[1] on transcript NM_001429.4 (MANE Select); one copy of the 3-base unit CTA starting at c.2867; the reference has two copies in a row; one copy, 3 bases deleted.
Protein change: p.Thr957del; deletes threonine 957.
Genome position (GRCh38, 1-based): chr22:41,151,885-41,151,887, CTA deleted; deleting any 3 consecutive bases within chr22:41,151,882-41,151,887 gives the same sequence; the position shown is the placement nearest the transcript's 3' end. VCF-style (leftmost placement, unchanged base first): chr22-41151881-TCTA-T. GRCh37 (hg19) VCF-style: chr22-41547885-TCTA-T.
Other names: c.2789CTA[1], p.Thr931del (NM_001362843.2); short protein forms T957del, T931del.
Identifiers: ClinVar variation 3665952 (VCV003665952.2).

ClinVar aggregate classification (germline): Uncertain significance (1 of 4 stars; one submission).

Conditions:
Rubinstein-Taybi syndrome due to EP300 haploinsufficiency. Also called: EP300-Related Rubinstein-Taybi Syndrome; RUBINSTEIN-TAYBI SYNDROME 2. Identifiers: Orphanet 353284, Orphanet 783, MedGen C3150941, MONDO:0013364, OMIM 613684.

Submission:

Labcorp Genetics (formerly Invitae), Labcorp
Classification: Uncertain significance for Rubinstein-Taybi syndrome due to EP300 haploinsufficiency. Last evaluated: 2024-06-17. Review status: criteria provided, single submitter. Criteria: Invitae Variant Classification Sherloc (09022015). Collection method: clinical testing. Allele origin: germline.
Comment: This variant, c.2870_2872del, results in the deletion of 1 amino acid(s) of the EP300 protein (p.Thr957del), but otherwise preserves the integrity of the reading frame. This variant is present in population databases (no rsID available, gnomAD 0.0009%). This variant has not been reported in the literature in individuals affected with EP300-related conditions. Experimental studies and prediction algorithms are not available or were not evaluated, and the functional significance of this variant is currently unknown. In summary, the available evidence is currently insufficient to determine the role of this variant in disease. Therefore, it has been classified as a Variant of Uncertain Significance.